The following is an entry in ClinVar:

NM_000344.4(SMN1):c.841A>C (p.Arg281=)

Gene: SMN1 (survival of motor neuron 1, telomeric). Cytogenetic location: 5q13.2.
Variant type: single nucleotide variant.
Coding change: c.841A>C on transcript NM_000344.4 (MANE Select); coding-DNA position 841, A replaced by C.
Protein change: p.Arg281=; no amino-acid change (arginine 281 retained).
Molecular consequence: synonymous variant. On other transcripts: intron variant (1).
Genome position (GRCh38, 1-based): chr5:70,951,947, A>C. VCF-style: chr5-70951947-A-C. GRCh37 (hg19) VCF-style: chr5-70247774-A-C.
Other names: c.745A>C, p.Arg249= (NM_022874.2); c.835-492A>C (NM_001297715.1).
Identifiers: ClinVar variation 495827 (VCV000495827.8), dbSNP rs1482083567, ClinGen allele CA444975704.
Genomic context (GRCh38, chr5:70,951,947, plus strand): 5'-AGCTATCTATGTCTATATAGCTATTTTTTTTAACTTCCTTTATTTTCCTTACAGGGTTTC[A>C]GACAAAATCAAAAAGAAGGAAGGTGCTCACATTCCTTAAATTAAGGAGTAAGTCTGCCAG-3'
Protein context (NP_000335.1, residues 271-291): GYHTGYYMGF[Arg281=]QNQKEGRCSH

ClinVar aggregate classification (germline): Likely benign. Review status: criteria provided, multiple submitters, no conflicts (2 of 4 stars). 2 submissions from 2 submitters: Likely benign (2). Last evaluated 2021-11-30.

Conditions:
Spinal muscular atrophy (SMA). Identifiers: MedGen C0026847, MeSH D009134, MONDO:0001516, HP:0007269.

Allele frequency attached by ClinVar (database versions not stated): gnomAD exomes below 0.00001.

Submissions (2):

Women's Health and Genetics/Laboratory Corporation of America, LabCorp
Classification: Likely benign. Last evaluated: 2021-11-30. Review status: criteria provided, single submitter. Criteria: LabCorp Variant Classification Summary - May 2015. Collection method: clinical testing. Allele origin: germline.
Comment: Variant summary: SMN1 c.841A>C alters a conserved nucleotide resulting in a synonymous change. 4/4 computational tools predict no significant impact on normal splicing. However, these predictions have yet to be confirmed by functional studies. The variant allele was found at a frequency of 4e-06 in 248332 control chromosomes. The available data on variant occurrences in the general population are insufficient to allow any conclusion about variant significance. To our knowledge, no occurrence of c.841A>C in individuals affected with Spinal Muscular Atrophy and no experimental evidence demonstrating its impact on protein function have been reported. No clinical diagnostic laboratories have submitted clinical-significance assessments for this variant to ClinVar after 2014. Based on the evidence outlined above, the variant was classified as likely benign.

Labcorp Genetics (formerly Invitae), Labcorp
Classification: Likely benign for Spinal muscular atrophy. Last evaluated: 2021-01-16. Review status: criteria provided, single submitter. Criteria: Invitae Variant Classification Sherloc (09022015). Collection method: clinical testing. Allele origin: germline.